The following is an entry in ClinVar:

NM_000143.4(FH):c.915del (p.Phe305fs)

Gene: FH (fumarate hydratase; minus strand). Cytogenetic location: 1q43.
Variant type: Deletion.
Coding change: c.915del on transcript NM_000143.4 (MANE Select); coding-DNA position 915, one base deleted (T; older notation c.915delT).
Protein change: p.Phe305fs; shifts the reading frame from phenylalanine 305.
Molecular consequence: frameshift variant.
Genome position (GRCh38, 1-based): chr1:241,504,235, A deleted on the plus strand (T on the coding strand, the reverse complement: FH is on the minus strand); the first of 4 consecutive A bases (chr1:241,504,235-241,504,238); deleting any one gives the same sequence. VCF-style (leftmost placement, unchanged base first): chr1-241504234-CA-C. GRCh37 (hg19) VCF-style: chr1-241667534-CA-C.
Other names: c.915delT (NM_000143.3); short protein forms F305fs.
Identifiers: ClinVar variation 3278726 (VCV003278726.1).

ClinVar aggregate classification (germline): Pathogenic (1 of 4 stars; one submission).

Conditions:
Hereditary cancer-predisposing syndrome. Also called: Tumor predisposition; Hereditary Cancer Syndrome; Hereditary neoplastic syndrome; Neoplastic Syndromes, Hereditary. Identifiers: Orphanet 140162, MedGen C0027672, MeSH D009386, MONDO:0015356.

Submission:

Ambry Genetics
Classification: Pathogenic for Hereditary cancer-predisposing syndrome. Last evaluated: 2024-04-05. Review status: criteria provided, single submitter. Criteria: Ambry Variant Classification Scheme 2023. Collection method: clinical testing. Allele origin: germline.
Comment: The c.915delT pathogenic mutation, located in coding exon 7 of the FH gene, results from a deletion of one nucleotide at nucleotide position 915, causing a translational frameshift with a predicted alternate stop codon (p.F305Lfs*24). This variant has been observed in at least one individual with a personal and/or family history that is consistent with hereditary leiomyomatosis and renal cell cancer (Ambry internal data). This variant is considered to be rare based on population cohorts in the Genome Aggregation Database (gnomAD). This alteration is expected to result in loss of function by premature protein truncation or nonsense-mediated mRNA decay. As such, this alteration is interpreted as a disease-causing mutation.